The following is an entry in ClinVar:

ClinVar aggregate classification (germline): Uncertain significance. Review status: criteria provided, single submitter (1 of 4 stars). 2 submissions from 2 submitters: Uncertain significance (1). 1 of the submissions does not count toward it. Last evaluated 2025-04-23.

Conditions:
SMAD4-related disorder. Also called: SMAD4-related condition; SMAD4-Related disorders.

Submissions (2):

GeneDx
Classification: Uncertain significance. Last evaluated: 2025-04-23. Review status: criteria provided, single submitter. Criteria: GeneDx Variant Classification Process June 2021. Collection method: clinical testing. Allele origin: germline. Affected: yes.
Comment: Not observed at significant frequency in large population cohorts (gnomAD); In silico analysis indicates that this missense variant does not alter protein structure/function; Has not been previously published as pathogenic or benign to our knowledge

PreventionGenetics, part of Exact Sciences
Classification: Uncertain significance for SMAD4-related condition. Last evaluated: 2024-06-06. Review status: no assertion criteria provided. Collection method: clinical testing. Allele origin: germline. Not counted in ClinVar's aggregate classification.
Comment: The SMAD4 c.427C>A variant is predicted to result in the amino acid substitution p.Leu143Ile. To our knowledge, this variant has not been reported in the literature or in a large population database, indicating this variant is rare. At this time, the clinical significance of this variant is uncertain due to the absence of conclusive functional and genetic evidence.

NM_005359.6(SMAD4):c.427C>A (p.Leu143Ile)

Gene: SMAD4 (SMAD family member 4; plus strand). Cytogenetic location: 18q21.2.
Variant type: single nucleotide variant.
Coding change: c.427C>A on transcript NM_005359.6 (MANE Select); coding-DNA position 427, C replaced by A.
Protein change: p.Leu143Ile; replaces leucine 143 with isoleucine.
Molecular consequence: missense variant. On other transcripts: non-coding transcript variant (2).
Genome position (GRCh38, 1-based): chr18:51,049,297, C>A. VCF-style: chr18-51049297-C-A. GRCh37 (hg19) VCF-style: chr18-48575667-C-A.
Other names: c.427C>A, p.Leu143Ile (NM_001407041.1, NM_001407042.1, NM_001407043.1); short protein forms L143I.
Identifiers: ClinVar variation 3347489 (VCV003347489.2).